The following is an entry in ClinVar:

NM_001903.5(CTNNA1):c.428A>G (p.Asp143Gly)

Gene: CTNNA1 (catenin alpha 1; plus strand). Cytogenetic location: 5q31.2.
Variant type: single nucleotide variant.
Coding change: c.428A>G on transcript NM_001903.5 (MANE Select); coding-DNA position 428, A replaced by G.
Protein change: p.Asp143Gly; replaces aspartic acid 143 with glycine.
Molecular consequence: missense variant.
Genome position (GRCh38, 1-based): chr5:138,810,164, A>G. VCF-style: chr5-138810164-A-G. GRCh37 (hg19) VCF-style: chr5-138145853-A-G.
Other names: c.428A>G, p.Asp143Gly (NM_001290307.3, NM_001323982.2, NM_001323983.1 and 3 more transcripts); c.119A>G, p.Asp40Gly (NM_001290309.3); c.59A>G, p.Asp20Gly (NM_001290310.3); short protein forms D143G, D40G, D20G.
Identifiers: ClinVar variation 942445 (VCV000942445.15), dbSNP rs1295022308, ClinGen allele CA361123448.
Genomic context (GRCh38, chr5:138,810,164, plus strand): 5'-ACATGGTTCGGGCAGCTCGAGCTTTGCTCTCTGCTGTTACCCGGTTGCTGATTTTGGCTG[A>G]CATGGCAGATGTCTACAAATTACTTGTTCAGCTGAAAGTTGTAAGTATACAGGCCTATGT-3'
Protein context (NP_001894.2, residues 133-153): SAVTRLLILA[Asp143Gly]MADVYKLLVQ

ClinVar aggregate classification (germline): Uncertain significance. Review status: criteria provided, multiple submitters, no conflicts (2 of 4 stars). 3 submissions from 3 submitters: Uncertain significance (3). Last evaluated 2025-03-27.

Conditions:
Hereditary cancer-predisposing syndrome. Also called: Hereditary Cancer Syndrome; Tumor predisposition; Neoplastic Syndromes, Hereditary; Hereditary neoplastic syndrome. Identifiers: Orphanet 140162, MedGen C0027672, MeSH D009386, MONDO:0015356.

Allele frequency attached by ClinVar (database versions not stated): gnomAD exomes below 0.00001.
gnomAD v4.1: 1 of 1,614,190 alleles (0.000062%); highest among the groups gnomAD compares: Non-Finnish European, 0.000085%; no homozygotes.

Submissions (3):

Labcorp Genetics (formerly Invitae), Labcorp
Classification: Uncertain significance. Last evaluated: 2025-03-27. Review status: criteria provided, single submitter. Criteria: Invitae Variant Classification Sherloc (09022015). Collection method: clinical testing. Allele origin: germline.
Comment: This sequence change replaces aspartic acid, which is acidic and polar, with glycine, which is neutral and non-polar, at codon 143 of the CTNNA1 protein (p.Asp143Gly). This variant is not present in population databases (gnomAD no frequency). This variant has not been reported in the literature in individuals affected with CTNNA1-related conditions. ClinVar contains an entry for this variant (Variation ID: 942445). Invitae Evidence Modeling of protein sequence and biophysical properties (such as structural, functional, and spatial information, amino acid conservation, physicochemical variation, residue mobility, and thermodynamic stability) indicates that this missense variant is expected to disrupt CTNNA1 protein function with a positive predictive value of 80%. In summary, the available evidence is currently insufficient to determine the role of this variant in disease. Therefore, it has been classified as a Variant of Uncertain Significance.

Ambry Genetics
Classification: Uncertain significance for Hereditary cancer-predisposing syndrome. Last evaluated: 2025-01-14. Review status: criteria provided, single submitter. Criteria: Ambry Variant Classification Scheme 2023. Collection method: clinical testing. Allele origin: germline.
Comment: The p.D143G variant (also known as c.428A>G), located in coding exon 3 of the CTNNA1 gene, results from an A to G substitution at nucleotide position 428. The aspartic acid at codon 143 is replaced by glycine, an amino acid with similar properties. This amino acid position is highly conserved in available vertebrate species. In addition, this alteration is predicted to be deleterious by in silico analysis. The evidence for this gene-disease relationship is limited; therefore, the clinical significance of this alteration is unclear.

GeneDx
Classification: Uncertain significance. Last evaluated: 2023-12-03. Review status: criteria provided, single submitter. Criteria: GeneDx Variant Classification Process June 2021. Collection method: clinical testing. Allele origin: germline.
Comment: Not observed at significant frequency in large population cohorts (gnomAD); In silico analysis supports that this missense variant has a deleterious effect on protein structure/function; Has not been previously published as pathogenic or benign to our knowledge